The following is an entry in ClinVar:

ClinVar aggregate classification (germline): Uncertain significance (1 of 4 stars; one submission).

Allele frequency attached by ClinVar (database versions not stated): TOPMed below 0.00001.

Submission:

Labcorp Genetics (formerly Invitae), Labcorp
Classification: Uncertain significance. Last evaluated: 2023-08-10. Review status: criteria provided, single submitter. Criteria: Invitae Variant Classification Sherloc (09022015). Collection method: clinical testing. Allele origin: germline.
Comment: This variant is not present in population databases (gnomAD no frequency). In summary, the available evidence is currently insufficient to determine the role of this variant in disease. Therefore, it has been classified as a Variant of Uncertain Significance. Advanced modeling of protein sequence and biophysical properties (such as structural, functional, and spatial information, amino acid conservation, physicochemical variation, residue mobility, and thermodynamic stability) performed at Invitae indicates that this missense variant is expected to disrupt PDHX protein function. ClinVar contains an entry for this variant (Variation ID: 1388842). This variant has not been reported in the literature in individuals affected with PDHX-related conditions. This sequence change replaces proline, which is neutral and non-polar, with serine, which is neutral and polar, at codon 376 of the PDHX protein (p.Pro376Ser).

NM_003477.3(PDHX):c.1126C>T (p.Pro376Ser)

Gene: PDHX (pyruvate dehydrogenase complex component X; plus strand). Cytogenetic location: 11p13.
Variant type: single nucleotide variant.
Coding change: c.1126C>T on transcript NM_003477.3 (MANE Select); coding-DNA position 1126, C replaced by T.
Protein change: p.Pro376Ser; replaces proline 376 with serine.
Molecular consequence: missense variant.
Genome position (GRCh38, 1-based): chr11:34,984,672, C>T. VCF-style: chr11-34984672-C-T. GRCh37 (hg19) VCF-style: chr11-35006219-C-T.
Other names: c.946C>T, p.Pro316Ser (NM_001135024.2); c.445C>T, p.Pro149Ser (NM_001166158.2); short protein forms P376S, P149S, P316S.
Identifiers: ClinVar variation 1388842 (VCV001388842.6), dbSNP rs1855601577, ClinGen allele CA380124478.